The following is an entry in ClinVar:

NM_000321.3(RB1):c.1850G>C (p.Gly617Ala)

Gene: RB1 (RB transcriptional corepressor 1; plus strand). Cytogenetic location: 13q14.2.
Variant type: single nucleotide variant.
Coding change: c.1850G>C on transcript NM_000321.3 (MANE Select); coding-DNA position 1850, G replaced by C.
Protein change: p.Gly617Ala; replaces glycine 617 with alanine.
Molecular consequence: missense variant.
Genome position (GRCh38, 1-based): chr13:48,456,239, G>C. VCF-style: chr13-48456239-G-C. GRCh37 (hg19) VCF-style: chr13-49030375-G-C.
Other names: c.1850G>C, p.Gly617Ala (NM_001407165.1); short protein forms G617A.
Identifiers: ClinVar variation 1781320 (VCV001781320.2), dbSNP rs2138331134, ClinGen allele CA388165762.

ClinVar aggregate classification (germline): Uncertain significance (1 of 4 stars; one submission).

Conditions:
Hereditary cancer-predisposing syndrome. Also called: Neoplastic Syndromes, Hereditary; Tumor predisposition; Hereditary Cancer Syndrome; Hereditary neoplastic syndrome. Identifiers: Orphanet 140162, MedGen C0027672, MeSH D009386, MONDO:0015356.

Submission:

Ambry Genetics
Classification: Uncertain significance for Hereditary cancer-predisposing syndrome. Last evaluated: 2022-10-24. Review status: criteria provided, single submitter. Criteria: Ambry Variant Classification Scheme 2023. Collection method: clinical testing. Allele origin: germline.
Comment: The p.G617A variant (also known as c.1850G>C), located in coding exon 19 of the RB1 gene, results from a G to C substitution at nucleotide position 1850. The glycine at codon 617 is replaced by alanine, an amino acid with similar properties. This amino acid position is not well conserved in available vertebrate species. In addition, this alteration is predicted to be tolerated by in silico analysis. Since supporting evidence is limited at this time, the clinical significance of this alteration remains unclear.